The following is an entry in ClinVar:

ClinVar aggregate classification (germline): Pathogenic. Review status: reviewed by expert panel (3 of 4 stars). 13 submissions from 13 submitters: Pathogenic (1). 12 of the submissions do not count toward it. Last evaluated 2024-12-06.

Conditions:
Mucopolysaccharidosis type 1. Also called: IDUA deficiency; MPS I; Mucopolysaccharidosis Type I. Identifiers: Orphanet 579, MedGen C0023786, MONDO:0001586.
IDUA-related disorders.
Hurler syndrome. Also called: Severe MPS I (Hurler Syndrome); Gargoylism, Hurler Syndrome; MUCOPOLYSACCHARIDOSIS TYPE IH. Identifiers: Orphanet 93473, MedGen C0086795, MONDO:0011758, OMIM 607014.
Mucopolysaccharidosis, MPS-I-H/S. Also called: Mucopolysaccharidosis type IH/S. Identifiers: Orphanet 93476, MedGen C0086431, MONDO:0011759, OMIM 607015.
Mucopolysaccharidosis, MPS-I-S. Also called: Scheie Syndrome; MUCOPOLYSACCHARIDOSIS TYPE IS; MPS V; MUCOPOLYSACCHARIDOSIS TYPE V. Identifiers: Orphanet 93474, MedGen C0026708, MONDO:0011760, OMIM 607016.

Allele frequency attached by ClinVar (database versions not stated): gnomAD 0.00001; TOPMed 0.00001; gnomAD exomes 0.00004 and 0.00018; ExAC 0.00005.
gnomAD v4.1: 251 of 1,612,188 alleles (0.016%); highest among the groups gnomAD compares: Non-Finnish European, 0.021%; no homozygotes.

Submissions 1 to 9 of 16:

ClinGen Lysosomal Storage Disorder Variant Curation Expert Panel
Classification: Pathogenic for Mucopolysaccharidosis type 1. Last evaluated: 2024-12-06. Review status: reviewed by expert panel. Criteria: ClinGen LSD ACMG Specifications IDUA V1.0.0. Collection method: curation. Allele origin: germline. Inheritance: Autosomal recessive inheritance.
Comment: The NM_000203.5:c.386-2A>G variant in IDUA, reported in older literature as 474-2A>G, occurs within the canonical splice acceptor site of intron 3. RT-PCR studies revealed that this variant results in skipping of exon 4 (PMID: 8019563). This is expected to result in an in-frame deletion of 36 amino acids which represents <10% of the protein. The in silico predictor SpliceAI does not predict the use of a cryptic splice site nearby (PVS1_Moderate). The variant has been identified in more than 20 individuals who have been diagnosed with MPS1, including 3 individuals with documented laboratory values showing deficiency of IDUA activity, two of who also have elevated urine GAGs (PMIDs: 23430808, 23837464) (PP4). Of these individuals at least 17 are compound heterozygous for the variant and a variant in IDUA that has been classified as pathogenic by the ClinGen LD VCEP including c.1205G>A, p.Trp402Ter (at least 10 individuals) (PMIDs: 8019563, 28752568), c.1855C>T (p.Arg619Ter) (PMID: 11735025), p.Pro533Arg (PMID: 8019563), c.208C>T (p.Gln70Ter) (at least 2 individuals) (PMIDs: 23430808, 28752568), and c.540_544delGAATG (p.Trp180Ter) (PMID: 28752568), and at least two are homozygous for the variant homozygotes (PMID: 28752568, 31194252) (PM3_VeryStrong). Additional patients are compound heterozygous for the variant and either c.236C>T (p.Ala79Val) (PMID: 28752568), c.653T>C (p.Leu218Pro) (PMID: 28752568), c.41T>G (p.Leu14Arg) (PMID: 28752568), p.Arg383His (PMID: 23837464) or p.Leu238Gln (PMID: 24368159); The allelic data from these patients will be used in the classifications of the missense variants and is not included here to avoid circular logic. The highest population minor allele frequency in gnomAD v4.1.0.is 0.0002086 (249/1179062 alleles; no homozygotes) in the European non-Finnish population, which is lower than the ClinGen Lysosomal Diseases VCEP’s threshold for PM2_Supporting (<0.00025), meeting this criterion (PM2_Supporting).There is a ClinVar entry for this variant (Variation ID: 222994). In summary, this variant meets the criteria to be classified as pathogenic for MPS1. IDUA-specific ACMG/AMP criteria applied, as specified by the ClinGen Lysosomal Diseases VCEP (Specifications Version 1.0.0): PM3_Very Strong, PVS1_Moderate, PP4, PM2_Supporting. (Classification approved by the ClinGen Lysosomal Diseases Variant Curation Expert Panel on December 6, 2024)

Labcorp Genetics (formerly Invitae), Labcorp
Classification: Pathogenic for Mucopolysaccharidosis type 1. Last evaluated: 2025-12-31. Review status: criteria provided, single submitter. Criteria: Invitae Variant Classification Sherloc (09022015). Collection method: clinical testing. Allele origin: germline. Not counted in ClinVar's aggregate classification.
Comment: This sequence change affects an acceptor splice site in intron 3 of the IDUA gene. RNA analysis indicates that disruption of this splice site induces altered splicing and may result in an absent or altered protein product. This variant is present in population databases (rs777295041, gnomAD 0.007%). Disruption of this splice site has been observed in individuals with mucopolysaccharidosis type I (PMID: 8019563, 11735025, 23837464, 24368159). This variant is also known as c.474-2 a>g and Int3-2a>g. ClinVar contains an entry for this variant (Variation ID: 222994). Studies have shown that disruption of this splice site results in exon skipping, and produces a non-functional protein and/or introduces a premature termination codon (PMID: 8019563). For these reasons, this variant has been classified as Pathogenic.

Natera, Inc.
Classification: Pathogenic for Mucopolysaccharidosis type I. Last evaluated: 2025-08-26. Review status: criteria provided, single submitter. Criteria: Natera Variant Classification Schema (03/2026). Collection method: clinical testing. Allele origin: germline. Not counted in ClinVar's aggregate classification.
Comment: The c.386-2A>G variant in IDUA is a canonical splice acceptor site variant predicted to affect pre-mRNA splicing, which may result in an abnormal transcript and altered protein product. This variant is expected to result in nonsense mediated decay, truncation, or a dysfunctional protein product. This variant is rare in the general population with a frequency below the threshold expected for the associated phenotype(s). This variant has been observed in one or more individuals affected with the associated recessive disease, as either homozygous or compound heterozygous with a second variant (PMID: 31304092, 28752568). Another variant at this same site results in an alteration predicted to cause a similar molecular effect has been observed in individual(s) with the associated phenotype. Given the available evidence, this variant is classified as Pathogenic.

Revvity Omics, Revvity
Classification: Pathogenic. Last evaluated: 2025-07-22. Review status: criteria provided, single submitter. Criteria: ACMG Guidelines, 2015. Collection method: clinical testing. Allele origin: germline. Not counted in ClinVar's aggregate classification.

Women's Health and Genetics/Laboratory Corporation of America, LabCorp
Classification: Pathogenic for Mucopolysaccharidosis Type 1. Last evaluated: 2025-04-29. Review status: criteria provided, single submitter. Criteria: LabCorp Variant Classification Summary - May 2015. Collection method: clinical testing. Allele origin: germline. Not counted in ClinVar's aggregate classification.
Comment: Variant summary: IDUA c.386-2A>G is located in a canonical splice-site and is predicted to affect mRNA splicing resulting in a significantly altered protein due to either exon skipping, shortening, or inclusion of intronic material. Several computational tools predict a significant impact on normal splicing: Five predict the variant abolishes a 3 acceptor site. However, these predictions have yet to be confirmed by functional studies. The variant allele was found at a frequency of 3.3e-05 in 245660 control chromosomes (gnomAD). The variant, c.386-2A>G, has been reported in the literature in multiple individuals affected with Mucopolysaccharidosis Type 1 (Ghosh 2017, Beesley 2001), and most of the cases presented with a severe disease phenotype (Hurler syndrome). These data indicate that the variant is very likely to be associated with disease. Two publications reported no enzyme activity associated with this variant (Ghosh 2017, Bunge 1998). ClinVar has one entry for this variant after 2014 with a classification of "pathogenic". Based on the evidence outlined above, the variant was classified as pathogenic.

Fulgent Genetics
Classification: Pathogenic for Hurler syndrome; Mucopolysaccharidosis, MPS-I-H/S; Mucopolysaccharidosis, MPS-I-S. Last evaluated: 2024-03-29. Review status: criteria provided, single submitter. Criteria: ACMG Guidelines, 2015. Collection method: clinical testing. Allele origin: germline. Not counted in ClinVar's aggregate classification.

GeneDx
Classification: Pathogenic. Last evaluated: 2023-01-26. Review status: criteria provided, single submitter. Criteria: GeneDx Variant Classification Process June 2021. Collection method: clinical testing. Allele origin: germline. Affected: yes. Not counted in ClinVar's aggregate classification.
Comment: Not observed at a significant frequency in large population cohorts (gnomAD); Canonical splice site variant expected to result in aberrant splicing, although in the absence of functional evidence the actual effect of this sequence change is unknown.; This variant is associated with the following publications: (PMID: 9748610, 11735025, 21480867, 25525159, 8019563, 23837464, 28752568, 15300847, 24368159, 31194252, 31589614)

Blueprint Genetics
Classification: Pathogenic for IDUA-related disorders. Last evaluated: 2022-09-28. Review status: criteria provided, single submitter. Criteria: ACMG Guidelines, 2015. Collection method: clinical testing. Allele origin: germline. Affected: yes. Observed: 5 variant alleles. Not counted in ClinVar's aggregate classification.

MGZ Medical Genetics Center
Classification: Pathogenic for Mucopolysaccharidosis, MPS-I-H/S. Last evaluated: 2022-02-08. Review status: criteria provided, single submitter. Criteria: ACMG Guidelines, 2015. Collection method: clinical testing. Allele origin: germline. Affected: yes. Observed: 2 variant alleles. Not counted in ClinVar's aggregate classification.
Comment: ACMG criteria applied: PVS1, PM3, PM2_SUP

NM_000203.5(IDUA):c.386-2A>G

Gene: IDUA (alpha-L-iduronidase; plus strand). Cytogenetic location: 4p16.3.
Variant type: single nucleotide variant.
Coding change: c.386-2A>G on transcript NM_000203.5 (MANE Select); the canonical splice acceptor site of the intron before coding-DNA position 386, A replaced by G.
Molecular consequence: splice acceptor variant.
Genome position (GRCh38, 1-based): chr4:1,000,880, A>G. VCF-style: chr4-1000880-A-G. GRCh37 (hg19) VCF-style: chr4-994668-A-G.
Other names: c.-11-2A>G (NM_001363576.1).
Identifiers: ClinVar variation 222994 (VCV000222994.38), dbSNP rs777295041, ClinGen allele CA356991.